The following is an entry in ClinVar:

ClinVar aggregate classification (germline): Conflicting classifications of pathogenicity. Review status: criteria provided, conflicting classifications (1 of 4 stars). 4 submissions from 4 submitters: Uncertain significance (1); Likely benign (3). Last evaluated 2026-06-15.

Conditions:
ITPR1-related disorder. Also called: ITPR1-related condition.
Autosomal dominant cerebellar ataxia. Also called: Spinocerebellar Ataxia, Dominant. Identifiers: Orphanet 99, MedGen C4087347, MONDO:0020380.

Allele frequency attached by ClinVar (database versions not stated): ExAC 0.00005; gnomAD 0.00005; gnomAD exomes 0.00005 and 0.00013; TOPMed 0.00005.
gnomAD v4.1: 188 of 1,609,848 alleles (0.012%); highest among the groups gnomAD compares: Non-Finnish European, 0.015%; no homozygotes.

Submissions (4):

PreventionGenetics, part of Exact Sciences
Classification: Likely benign for ITPR1-related condition. Last evaluated: 2026-06-15. Review status: criteria provided, single submitter. Criteria: ACMG Guidelines, 2015. Collection method: clinical testing. Allele origin: germline.
Comment: This variant is classified as likely benign based on ACMG/AMP sequence variant interpretation guidelines (Richards et al. 2015 PMID: 25741868, with internal and published modifications).

Labcorp Genetics (formerly Invitae), Labcorp
Classification: Likely benign. Last evaluated: 2026-01-31. Review status: criteria provided, single submitter. Criteria: Invitae Variant Classification Sherloc (09022015). Collection method: clinical testing. Allele origin: germline.

Athena Diagnostics
Classification: Likely benign. Last evaluated: 2024-10-29. Review status: criteria provided, single submitter. Criteria: Athena Diagnostics Criteria. Collection method: clinical testing. Allele origin: unknown.

Illumina Laboratory Services, Illumina
Classification: Uncertain significance for Spinocerebellar Ataxia, Dominant. Last evaluated: 2018-01-13. Review status: criteria provided, single submitter. Criteria: ICSL Variant Classification Criteria 13 December 2019. Collection method: clinical testing. Allele origin: germline.

NM_001378452.1(ITPR1):c.6579C>A (p.Ala2193=)

Gene: ITPR1 (inositol 1,4,5-trisphosphate receptor type 1; plus strand). Cytogenetic location: 3p26.1.
Variant type: single nucleotide variant.
Coding change: c.6579C>A on transcript NM_001378452.1 (MANE Select); coding-DNA position 6579, C replaced by A.
Protein change: p.Ala2193=; no amino-acid change (alanine 2193 retained).
Molecular consequence: synonymous variant.
Genome position (GRCh38, 1-based): chr3:4,783,884, C>A. VCF-style: chr3-4783884-C-A. GRCh37 (hg19) VCF-style: chr3-4825568-C-A.
Other names: c.6435C>A, p.Ala2145= (NM_001099952.4); c.6534C>A, p.Ala2178= (NM_001168272.2); c.6390C>A, p.Ala2130= (NM_002222.7); c.6534C>A (NM_001168272.1).
Identifiers: ClinVar variation 902787 (VCV000902787.13), dbSNP rs35343277, ClinGen allele CA2232627.
Genomic context (GRCh38, chr3:4,783,884, plus strand): 5'-GCATAACAAAGAACTTCAGAGCATGCTGAAACCTGGTGGCCAAGTGGACGGAGATGAAGC[C>A]CTGGAGTTTTATGCCAAGCACACGGCGCAGATAGAGGTAAAAGCTGAGTAAACTCAGGGC-3'
Protein context (NP_001365381.1, residues 2183-2203): KPGGQVDGDE[Ala2193=]LEFYAKHTAQ